The following is an entry in ClinVar:

ClinVar aggregate classification (germline): Conflicting classifications of pathogenicity. Review status: criteria provided, conflicting classifications (1 of 4 stars). 13 submissions from 13 submitters: Uncertain significance (10); Likely benign (2). 1 of the submissions does not count toward it. Last evaluated 2026-05-07.

Conditions:
BARD1-related cancer predisposition. Identifiers: MedGen CN377756, MONDO:0700267.
BARD1-related disorder. Also called: BARD1-related condition.
Hereditary cancer-predisposing syndrome. Also called: Neoplastic Syndromes, Hereditary; Tumor predisposition; Hereditary neoplastic syndrome; Hereditary Cancer Syndrome. Identifiers: Orphanet 140162, MedGen C0027672, MeSH D009386, MONDO:0015356.
Ovarian cancer. Also called: OVARIAN CANCER, SOMATIC. Identifiers: Orphanet 213500, MedGen C1140680, MONDO:0008170, OMIM 167000.
Familial cancer of breast. Also called: Hereditary breast cancer; BREAST CANCER, FAMILIAL; hereditary breast carcinoma. Identifiers: Orphanet 227535, MedGen C0346153, MONDO:0016419, OMIM 114480. Disease mechanism: loss of function.

Allele frequency attached by ClinVar (database versions not stated): TOPMed 0.00002; 1000 Genomes Project 30x 0.00047; 1000 Genomes Project 0.00060.
gnomAD v4.1: 51 of 1,614,216 alleles (0.0032%); highest among the groups gnomAD compares: East Asian, 0.031%; no homozygotes.

Submissions (13):

PreventionGenetics, part of Exact Sciences
Classification: Uncertain significance for BARD1-related condition. Last evaluated: 2026-05-07. Review status: criteria provided, single submitter. Criteria: ACMG Guidelines, 2015. Collection method: clinical testing. Allele origin: germline.
Comment: The BARD1 c.2191C>T variant is predicted to result in the amino acid substitution p.Arg731Cys. This variant has been identified in patients with breast cancer and in a patient with Lynch syndrome (Ng et al 2016. PubMed ID: 26757417; table S2 Chan et al 2018. PubMed ID: 30093976; table S2 Yurgelun et al 2015. PubMed ID: 25980754). Functional studies using a homology directed repair assay showed the p.Arg731Cys variant did not alter function compared to wild-type (Adamovich et al 2019. PubMed ID: 30925164). This variant is reported in 0.030% of alleles in individuals of East Asian descent in gnomAD and has conflicting interpretations in ClinVar ranging from likely benign to uncertain (Variation ID: 187551). Although we suspect that this variant may be benign, at this time, the clinical significance of this variant is uncertain due to the absence of conclusive functional and genetic evidence.

Labcorp Genetics (formerly Invitae), Labcorp
Classification: Uncertain significance for Familial cancer of breast. Last evaluated: 2026-02-03. Review status: criteria provided, single submitter. Criteria: Invitae Variant Classification Sherloc (09022015). Collection method: clinical testing. Allele origin: germline.
Comment: This sequence change replaces arginine, which is basic and polar, with cysteine, which is neutral and slightly polar, at codon 731 of the BARD1 protein (p.Arg731Cys). This variant is present in population databases (rs76744638, gnomAD 0.03%). This missense change has been observed in individual(s) with BARD1-related conditions (PMID: 25980754, 26757417, 28051113, 30093976). ClinVar contains an entry for this variant (Variation ID: 187551). An algorithm developed to predict the effect of missense changes on protein structure and function (PolyPhen-2) suggests that this variant is likely to be tolerated. Experimental studies have shown that this missense change does not substantially affect BARD1 function (PMID: 30925164). In summary, the available evidence is currently insufficient to determine the role of this variant in disease. Therefore, it has been classified as a Variant of Uncertain Significance.

Color Diagnostics, LLC DBA Color Health
Classification: Uncertain significance for Hereditary cancer-predisposing syndrome. Last evaluated: 2025-11-13. Review status: criteria provided, single submitter. Criteria: ACMG Guidelines, 2015. Collection method: clinical testing. Allele origin: germline.
Comment: This missense variant replaces arginine with cysteine at codon 731 of the BARD1 protein. Computational prediction suggests that this variant may not impact protein structure and function. Functional studies have shown that this variant did not significantly impact protein expression and homology-directed repair activity compared to wild-type (PMID: 30925164). This variant has been observed in individuals with breast cancer (PMID: 26757417, 28051113, 30093976DOI: 10.1200/JCO.2022.40.16_suppl.e22525) and an individual suspected of having Lynch syndrome (PMID: 25980754). This variant has also been identified in 12/282706 chromosomes in the general population by the Genome Aggregation Database (gnomAD). The available evidence is insufficient to determine the role of this variant in disease conclusively. Therefore, this variant is classified as a Variant of Uncertain Significance.

Molecular Pathology, Peter Maccallum Cancer Centre
Classification: Uncertain significance for BARD1-related cancer predisposition. Last evaluated: 2025-04-29. Review status: criteria provided, single submitter. Criteria: ACMG Guidelines, 2015. Collection method: clinical testing. Allele origin: germline. Inheritance: Autosomal dominant inheritance.

Fulgent Genetics
Classification: Uncertain significance for Familial cancer of breast. Last evaluated: 2024-05-31. Review status: criteria provided, single submitter. Criteria: ACMG Guidelines, 2015. Collection method: clinical testing. Allele origin: germline.

GeneDx
Classification: Uncertain significance. Last evaluated: 2024-04-23. Review status: criteria provided, single submitter. Criteria: GeneDx Variant Classification Process June 2021. Collection method: clinical testing. Allele origin: germline. Affected: yes.
Comment: In silico analysis supports that this missense variant has a deleterious effect on protein structure/function; Published functional studies demonstrate no significant reduction in homology-directed repair (HDR) activity and equal protein abundance compared to wild type (PMID: 30925164); Observed in two individuals with bilateral retinoblastoma who both harbored a germline RB1 variant and another variant in BARD1 p.(T534I) on the same allele (in cis) (PMID: 36173648); This variant is associated with the following publications: (PMID: 32091409, 25980754, 26757417, Wang2022[abstract], 30093976, 28051113, 29292755, 17550235, 30925164, 36173648, 36243179)

Blueprint Genetics
Classification: Uncertain significance. Last evaluated: 2024-02-12. Review status: criteria provided, single submitter. Criteria: ACMG Guidelines, 2015. Collection method: clinical testing. Allele origin: germline.

Baylor Genetics
Classification: Uncertain significance for Familial cancer of breast. Last evaluated: 2023-12-24. Review status: criteria provided, single submitter. Criteria: ACMG Guidelines, 2015. Collection method: clinical testing. Allele origin: unknown.

Quest Diagnostics Nichols Institute San Juan Capistrano
Classification: Likely benign. Last evaluated: 2022-03-14. Review status: criteria provided, single submitter. Criteria: Quest Diagnostics criteria. Collection method: clinical testing. Allele origin: unknown.

Ambry Genetics
Classification: Likely benign for Hereditary cancer-predisposing syndrome. Last evaluated: 2021-09-17. Review status: criteria provided, single submitter. Criteria: Ambry Variant Classification Scheme 2023. Collection method: clinical testing. Allele origin: germline.

Sema4
Classification: Uncertain significance for Hereditary cancer-predisposing syndrome. Last evaluated: 2021-06-12. Review status: criteria provided, single submitter. Criteria: Sema4 Curation Guidelines. Collection method: curation. Allele origin: germline.
Comment: The BARD1 c.2191C>T (p.R731C) variant has been reported in heterozygosity in at least 4 individuals with breast cancer and an individual with Lynch Syndrome (PMID: 26757417, 30093976, 28051113, 25980754). This variant was observed in 6/19954 chromosomes in the East Asian population, according to the Genome Aggregation Database (PMID: 32461654). This variant has been reported in ClinVar (Variation ID: 187551). In silico tools suggest the impact of the variant on protein function is inconclusive though functional studies using the homology-directed DNA repair (HDR) assay report that the variant is functionally normal (PMID 30925164). The overall evidence is inconsistent with ACMG/AMP requirements for a classification of benign or pathogenic. In summary, the clinical significance of this variant is currently uncertain.

Department of Pathology and Laboratory Medicine, Sinai Health System
Classification: Uncertain significance for Familial cancer of breast. Last evaluated: 2021-01-07. Review status: criteria provided, single submitter. Criteria: ACMG Guidelines, 2015. Collection method: clinical testing. Allele origin: germline. Affected: yes.

Laboratory of Molecular Epidemiology of Birth Defects, West China Second University Hospital, Sichuan University
Classification: Likely pathogenic for Ovarian cancer. Last evaluated: 2022-01-01. Review status: flagged submission. Criteria: ACMG Guidelines, 2015. Collection method: clinical testing. Allele origin: germline. Affected: yes. Not counted in ClinVar's aggregate classification.
ClinVar note: Reason: Outlier claim with insufficient supporting evidence

Literature cited by the submitters: PubMed 25980754 (cited by 5 submitters); PubMed 26757417 (cited by 6 submitters); PubMed 28051113 (cited by 5 submitters); PubMed 30093976 (cited by 5 submitters); PubMed 30925164 (cited by 5 submitters).

NM_000465.4(BARD1):c.2191C>T (p.Arg731Cys)

Gene: BARD1 (BRCA1 associated RING domain 1; minus strand). Cytogenetic location: 2q35.
Variant type: single nucleotide variant.
Coding change: c.2191C>T on transcript NM_000465.4 (MANE Select); coding-DNA position 2191, C replaced by T.
Protein change: p.Arg731Cys; replaces arginine 731 with cysteine.
Molecular consequence: missense variant. On other transcripts: non-coding transcript variant (3).
Genome position (GRCh38, 1-based): chr2:214,728,819, G>A on the plus strand (C>T on the coding strand, the complement: BARD1 is on the minus strand). VCF-style: chr2-214728819-G-A. GRCh37 (hg19) VCF-style: chr2-215593543-G-A.
Other names: c.2134C>T, p.Arg712Cys (NM_001282543.2); c.838C>T, p.Arg280Cys (NM_001282545.2); c.781C>T, p.Arg261Cys (NM_001282548.2); c.652C>T, p.Arg218Cys (NM_001282549.2); short protein forms R731C, R261C, R218C, R280C, R712C.
Identifiers: ClinVar variation 187551 (VCV000187551.33), dbSNP rs76744638, ClinGen allele CA333916.
Genomic context (GRCh38, chr2:214,728,819, plus strand): 5'-GAACCCTCTCTGGGTGATAATTACACAAATCTTCATAGATGATATACTGTGTGCAGAAGC[G>A]CTGATCAGAATCGGGTCTCGCATGGTATGCGACTGTATTGATGGTCTGAGTCACGTCACT-3'
Protein context (NP_000456.2, residues 721-741): AYHARPDSDQ[Arg731Cys]FCTQYIIYED